The following is an entry in ClinVar:

NM_003664.5(AP3B1):c.2641G>C (p.Gly881Arg)

Gene: AP3B1 (adaptor related protein complex 3 subunit beta 1; minus strand). Cytogenetic location: 5q14.1.
Variant type: single nucleotide variant.
Coding change: c.2641G>C on transcript NM_003664.5 (MANE Select); coding-DNA position 2641, G replaced by C.
Protein change: p.Gly881Arg; replaces glycine 881 with arginine.
Molecular consequence: missense variant.
Genome position (GRCh38, 1-based): chr5:78,039,211, C>G on the plus strand (G>C on the coding strand, the complement: AP3B1 is on the minus strand). VCF-style: chr5-78039211-C-G. GRCh37 (hg19) VCF-style: chr5-77335035-C-G.
Other names: c.2494G>C, p.Gly832Arg (NM_001271769.2); short protein forms G832R, G881R.
Identifiers: ClinVar variation 1381059 (VCV001381059.6), dbSNP rs2112100469, ClinGen allele CA360332210.

ClinVar aggregate classification (germline): Uncertain significance (1 of 4 stars; one submission).

Conditions:
Hermansky-Pudlak syndrome 2 (HPS2). Also called: Platelet defects and oculocutaneous albinism. Identifiers: Orphanet 183678, Orphanet 79430, MedGen C1842362, MONDO:0011997, OMIM 608233.

Submission:

Labcorp Genetics (formerly Invitae), Labcorp
Classification: Uncertain significance for Hermansky-Pudlak syndrome 2. Last evaluated: 2021-09-14. Review status: criteria provided, single submitter. Criteria: Invitae Variant Classification Sherloc (09022015). Collection method: clinical testing. Allele origin: germline.
Comment: In summary, the available evidence is currently insufficient to determine the role of this variant in disease. Therefore, it has been classified as a Variant of Uncertain Significance. Algorithms developed to predict the effect of missense changes on protein structure and function are either unavailable or do not agree on the potential impact of this missense change (SIFT: "Deleterious"; PolyPhen-2: "Probably Damaging"; Align-GVGD: "Class C0"). This variant has not been reported in the literature in individuals affected with AP3B1-related conditions. This variant is not present in population databases (ExAC no frequency). This sequence change replaces glycine with arginine at codon 881 of the AP3B1 protein (p.Gly881Arg). The glycine residue is highly conserved and there is a moderate physicochemical difference between glycine and arginine.